The following is an entry in ClinVar:

ClinVar aggregate classification (germline): Likely benign. Review status: criteria provided, multiple submitters, no conflicts (2 of 4 stars). 4 submissions from 4 submitters: Likely benign (4). Last evaluated 2025-08-18.

Conditions:
Hypertrophic cardiomyopathy. Also called: HYPERTROPHIC MYOCARDIOPATHY. Identifiers: Orphanet 217569, MedGen C0007194, MeSH D002312, MONDO:0005045, HP:0001639.
Lethal congenital glycogen storage disease of heart. Also called: PHOSPHORYLASE KINASE DEFICIENCY OF HEART; GLYCOGEN STORAGE DISEASE OF HEART. Identifiers: Orphanet 439854, MedGen C1849813, MONDO:0009867, OMIM 261740.
Cardiovascular phenotype. Identifiers: MedGen CN230736.
Cardiomyopathy (CMYO). Also called: Cardiomyopathies. Identifiers: Orphanet 167848, MedGen C0878544, MONDO:0004994, HP:0001638. Inheritance: Various modes of inheritance.

Allele frequency attached by ClinVar (database versions not stated): gnomAD exomes below 0.00001 and 0.00001; TOPMed below 0.00001; ExAC 0.00001; gnomAD 0.00001.
gnomAD v4.1: 5 of 1,613,906 alleles (0.00031%); highest among the groups gnomAD compares: Non-Finnish European, 0.00042%; no homozygotes.

Submissions (4):

Labcorp Genetics (formerly Invitae), Labcorp
Classification: Likely benign for Lethal congenital glycogen storage disease of heart. Last evaluated: 2025-08-18. Review status: criteria provided, single submitter. Criteria: Invitae Variant Classification Sherloc (09022015). Collection method: clinical testing. Allele origin: germline.

All of Us Research Program, National Institutes of Health
Classification: Likely benign for Hypertrophic cardiomyopathy. Last evaluated: 2024-02-05. Review status: criteria provided, single submitter. Criteria: ACMG Guidelines, 2015. Collection method: clinical testing. Allele origin: germline. Inheritance: Autosomal dominant inheritance. Observed: 1 variant allele, 1 heterozygote.
Comment: This study involves interpretation of variants in research participants for the purpose of population health screening. Participant phenotype was not available at the time of variant classification. Additional details can be found in publication PMID: 35346344, PMCID: PMC8962531

Color Diagnostics, LLC DBA Color Health
Classification: Likely benign for Cardiomyopathy. Last evaluated: 2024-01-29. Review status: criteria provided, single submitter. Criteria: ACMG Guidelines, 2015. Collection method: clinical testing. Allele origin: germline.

Ambry Genetics
Classification: Likely benign for Cardiovascular phenotype. Last evaluated: 2021-10-12. Review status: criteria provided, single submitter. Criteria: Ambry Variant Classification Scheme 2023. Collection method: clinical testing. Allele origin: germline.

NM_016203.4(PRKAG2):c.1371A>T (p.Ile457=)

Gene: PRKAG2 (protein kinase AMP-activated non-catalytic subunit gamma 2; minus strand). Cytogenetic location: 7q36.1.
Variant type: single nucleotide variant.
Coding change: c.1371A>T on transcript NM_016203.4 (MANE Select); coding-DNA position 1371, A replaced by T.
Protein change: p.Ile457=; no amino-acid change (isoleucine 457 retained).
Molecular consequence: synonymous variant.
Genome position (GRCh38, 1-based): chr7:151,565,748, T>A on the plus strand (A>T on the coding strand, the complement: PRKAG2 is on the minus strand). VCF-style: chr7-151565748-T-A. GRCh37 (hg19) VCF-style: chr7-151262834-T-A.
Other names: c.1239A>T, p.Ile413= (NM_001040633.2); c.996A>T, p.Ile332= (NM_001304527.2); c.648A>T, p.Ile216= (NM_001304531.2, NM_024429.2); c.999A>T, p.Ile333= (NM_001363698.2).
Identifiers: ClinVar variation 757545 (VCV000757545.13), dbSNP rs755421350, ClinGen allele CA054894.